The following is an entry in ClinVar:

ClinVar aggregate classification (germline): Uncertain significance (1 of 4 stars; one submission).

Submission:

Labcorp Genetics (formerly Invitae), Labcorp
Classification: Uncertain significance. Last evaluated: 2022-06-10. Review status: criteria provided, single submitter. Criteria: Invitae Variant Classification Sherloc (09022015). Collection method: clinical testing. Allele origin: germline.
Comment: This sequence change replaces asparagine, which is neutral and polar, with aspartic acid, which is acidic and polar, at codon 122 of the ABCB11 protein (p.Asn122Asp). In summary, the available evidence is currently insufficient to determine the role of this variant in disease. Therefore, it has been classified as a Variant of Uncertain Significance. Advanced modeling of protein sequence and biophysical properties (such as structural, functional, and spatial information, amino acid conservation, physicochemical variation, residue mobility, and thermodynamic stability) performed at Invitae indicates that this missense variant is not expected to disrupt ABCB11 protein function. This variant has not been reported in the literature in individuals affected with ABCB11-related conditions. This variant is not present in population databases (gnomAD no frequency).

NM_003742.4(ABCB11):c.364A>G (p.Asn122Asp)

Gene: ABCB11 (ATP binding cassette subfamily B member 11; minus strand). Cytogenetic location: 2q31.1.
Variant type: single nucleotide variant.
Coding change: c.364A>G on transcript NM_003742.4 (MANE Select); coding-DNA position 364, A replaced by G.
Protein change: p.Asn122Asp; replaces asparagine 122 with aspartic acid.
Molecular consequence: missense variant.
Genome position (GRCh38, 1-based): chr2:169,013,297, T>C on the plus strand (A>G on the coding strand, the complement: ABCB11 is on the minus strand). VCF-style: chr2-169013297-T-C. GRCh37 (hg19) VCF-style: chr2-169869807-T-C.
Other names: short protein forms N122D.
Identifiers: ClinVar variation 2121088 (VCV002121088.4), dbSNP rs2545484600, ClinGen allele CA349104648.